The following is an entry in ClinVar:

NM_000130.5(F5):c.2939G>T (p.Arg980Leu)

Gene: F5 (coagulation factor V; minus strand). Cytogenetic location: 1q24.2.
Variant type: single nucleotide variant.
Coding change: c.2939G>T on transcript NM_000130.5 (MANE Select); coding-DNA position 2939, G replaced by T.
Protein change: p.Arg980Leu; replaces arginine 980 with leucine.
Molecular consequence: missense variant.
Genome position (GRCh38, 1-based): chr1:169,542,151, C>A on the plus strand (G>T on the coding strand, the complement: F5 is on the minus strand). VCF-style: chr1-169542151-C-A. GRCh37 (hg19) VCF-style: chr1-169511389-C-A.
Other names: short protein forms R980L.
Identifiers: ClinVar variation 731270 (VCV000731270.8), dbSNP rs9332605, ClinGen allele CA1233999.

ClinVar aggregate classification (germline): Conflicting classifications of pathogenicity. Review status: criteria provided, conflicting classifications (1 of 4 stars). 2 submissions from 2 submitters: Uncertain significance (1); Likely benign (1). Last evaluated 2026-01-07.

Conditions:
Congenital factor V deficiency. Also called: Hereditary factor V deficiency disease; PARAHEMOPHILIA; LABILE FACTOR DEFICIENCY; OWREN PARAHEMOPHILIA. Identifiers: Orphanet 326, MedGen C0015499, MONDO:0009210, OMIM 227400.

Allele frequency attached by ClinVar (database versions not stated): gnomAD 0.00143; ESP Exome Variant Server 0.00161; TOPMed 0.00239; 1000 Genomes Project 0.00319; 1000 Genomes Project 30x 0.00359.
gnomAD v4.1: 657 of 1,614,044 alleles (0.041%); highest among the groups gnomAD compares: African/African-American, 0.73%; 1 homozygote.

Submissions (2):

Labcorp Genetics (formerly Invitae), Labcorp
Classification: Likely benign for Congenital factor V deficiency. Last evaluated: 2026-01-07. Review status: criteria provided, single submitter. Criteria: Invitae Variant Classification Sherloc (09022015). Collection method: clinical testing. Allele origin: germline.

GeneDx
Classification: Uncertain significance. Last evaluated: 2025-05-04. Review status: criteria provided, single submitter. Criteria: GeneDx Variant Classification Process June 2021. Collection method: clinical testing. Allele origin: germline. Affected: yes.
Comment: In silico analysis supports that this missense variant does not alter protein structure/function; Has not been previously published as pathogenic or benign to our knowledge